The following is an entry in ClinVar:

NM_004360.5(CDH1):c.2624T>G (p.Met875Arg)

Gene: CDH1 (cadherin 1; plus strand). Cytogenetic location: 16q22.1.
Variant type: single nucleotide variant.
Coding change: c.2624T>G on transcript NM_004360.5 (MANE Select); coding-DNA position 2624, T replaced by G.
Protein change: p.Met875Arg; replaces methionine 875 with arginine.
Molecular consequence: missense variant.
Genome position (GRCh38, 1-based): chr16:68,833,474, T>G. VCF-style: chr16-68833474-T-G. GRCh37 (hg19) VCF-style: chr16-68867377-T-G.
Other names: c.2441T>G, p.Met814Arg (NM_001317184.2); c.1076T>G, p.Met359Arg (NM_001317185.2); c.659T>G, p.Met220Arg (NM_001317186.2); short protein forms M220R, M359R, M814R, M875R.
Identifiers: ClinVar variation 928544 (VCV000928544.2), dbSNP rs900118000, ClinGen allele CA283319781.

ClinVar aggregate classification (germline): Uncertain significance. Review status: criteria provided, multiple submitters, no conflicts (2 of 4 stars). 2 submissions from 2 submitters: Uncertain significance (2). Last evaluated 2023-09-25.

Conditions:
Familial cancer of breast. Also called: Hereditary breast cancer; BREAST CANCER, FAMILIAL; hereditary breast carcinoma. Identifiers: Orphanet 227535, MedGen C0346153, MONDO:0016419, OMIM 114480. Disease mechanism: loss of function.

Allele frequency attached by ClinVar (database versions not stated): gnomAD exomes below 0.00001.
gnomAD v4.1: 1 of 1,613,980 alleles (0.000062%); highest among the groups gnomAD compares: South Asian, 0.0011%; no homozygotes.

Submissions (2):

Baylor Genetics
Classification: Uncertain significance for Familial cancer of breast. Last evaluated: 2023-09-25. Review status: criteria provided, single submitter. Criteria: ACMG Guidelines, 2015. Collection method: clinical testing. Allele origin: unknown.

Women's Health and Genetics/Laboratory Corporation of America, LabCorp
Classification: Uncertain significance. Last evaluated: 2019-06-17. Review status: criteria provided, single submitter. Criteria: LabCorp Variant Classification Summary - May 2015. Collection method: clinical testing. Allele origin: germline.
Comment: Variant summary: CDH1 c.2624T>G (p.Met875Arg) results in a non-conservative amino acid change located in the Cadherin, cytoplasmic domain of the encoded protein sequence. Five of five in-silico tools predict a damaging effect of the variant on protein function. The variant allele was found at a frequency of 4e-06 in 251468 control chromosomes (gnomAD). The available data on variant occurrences in the general population are insufficient to allow any conclusion about variant significance. To our knowledge, no occurrence of c.2624T>G in individuals affected with Hereditary Diffuse Gastric Cancer and no experimental evidence demonstrating its impact on protein function have been reported. No clinical diagnostic laboratories have submitted clinical-significance assessments for this variant to ClinVar after 2014. Based on the evidence outlined above, the variant was classified as uncertain significance.